The following is an entry in ClinVar:

ClinVar aggregate classification (germline): Uncertain significance. Review status: criteria provided, single submitter (1 of 4 stars). 3 submissions from 3 submitters: Uncertain significance (1). 2 of the submissions do not count toward it. Last evaluated 2023-03-26.

Allele frequency attached by ClinVar (database versions not stated): gnomAD exomes below 0.00001 and 0.00001.
gnomAD v4.1: 4 of 1,614,192 alleles (0.00025%); highest among the groups gnomAD compares: Non-Finnish European, 0.00034%; no homozygotes.

Submissions (3):

Labcorp Genetics (formerly Invitae), Labcorp
Classification: Uncertain significance. Last evaluated: 2023-03-26. Review status: criteria provided, single submitter. Criteria: Invitae Variant Classification Sherloc (09022015). Collection method: clinical testing. Allele origin: germline.
Comment: An algorithm developed to predict the effect of missense changes on protein structure and function (PolyPhen-2) suggests that this variant is likely to be disruptive. ClinVar contains an entry for this variant (Variation ID: 1284593). This missense change has been observed in individual(s) with dilated cardiomyopathy and/or hypertrophic cardiomyopathy (PMID: 30847666, 32480058). This variant is present in population databases (no rsID available, gnomAD 0.0009%). This sequence change replaces lysine, which is basic and polar, with threonine, which is neutral and polar, at codon 1754 of the ALPK3 protein (p.Lys1754Thr). In summary, the available evidence is currently insufficient to determine the role of this variant in disease. Therefore, it has been classified as a Variant of Uncertain Significance.

Clinical Genetics, Academic Medical Center
Classification: Uncertain significance. Review status: no assertion criteria provided. Collection method: clinical testing. Allele origin: germline. Affected: yes. Study: VKGL Data-share Consensus. Not counted in ClinVar's aggregate classification.

Diagnostic Laboratory, Department of Genetics, University Medical Center Groningen
Classification: Uncertain significance. Review status: no assertion criteria provided. Collection method: clinical testing. Allele origin: germline. Affected: yes. Study: VKGL Data-share Consensus. Not counted in ClinVar's aggregate classification.

Literature cited by the submitters: PubMed 30847666 (cited by Labcorp Genetics (formerly Invitae), Labcorp); PubMed 32480058 (cited by Labcorp Genetics (formerly Invitae), Labcorp).

NM_020778.5(ALPK3):c.4655A>C (p.Lys1552Thr)

Gene: ALPK3 (alpha kinase 3; plus strand). Cytogenetic location: 15q25.3.
Variant type: single nucleotide variant.
Coding change: c.4655A>C on transcript NM_020778.5 (MANE Select); coding-DNA position 4655, A replaced by C.
Protein change: p.Lys1552Thr; replaces lysine 1552 with threonine.
Molecular consequence: missense variant.
Genome position (GRCh38, 1-based): chr15:84,864,597, A>C. VCF-style: chr15-84864597-A-C. GRCh37 (hg19) VCF-style: chr15-85407828-A-C.
Other names: short protein forms K1552T.
Identifiers: ClinVar variation 1284593 (VCV001284593.6), dbSNP rs1237773925, ClinGen allele CA393365230.